The following is an entry in ClinVar:

ClinVar aggregate classification (germline): Uncertain significance (1 of 4 stars; one submission).

gnomAD v4.1: 3 of 1,613,340 alleles (0.00019%); highest among the groups gnomAD compares: Non-Finnish European, 0.00025%; no homozygotes.

Submission:

Women's Health and Genetics/Laboratory Corporation of America, LabCorp
Classification: Uncertain significance. Last evaluated: 2024-10-30. Review status: criteria provided, single submitter. Criteria: LabCorp Variant Classification Summary - May 2015. Collection method: clinical testing. Allele origin: germline.
Comment: Variant summary: RUBCN c.1981-1G>C is located in a canonical splice-site and is predicted to affect mRNA splicing resulting in a significantly altered protein due to either exon skipping, shortening, or inclusion of intronic material. Variants that disrupt the consensus splice site are a relatively common cause of aberrant splicing, however current evidence is not sufficient to establish loss of function as a mechanism for disease. Several computational tools predict a significant impact on normal splicing: Four predict the variant abolishes the canonical 3' acceptor site. However, these predictions have yet to be confirmed by functional studies. The variant was absent in 249342 control chromosomes. The available data on variant occurrences in the general population are insufficient to allow any conclusion about variant significance. To our knowledge, no occurrence of c.1981-1G>C in individuals affected with Autosomal Recessive Spinocerebellar Ataxia 15 and no experimental evidence demonstrating its impact on protein function have been reported. No submitters have cited clinical-significance assessments for this variant to ClinVar. Based on the evidence outlined above, the variant was classified as uncertain significance.

NM_014687.4(RUBCN):c.1981-1G>C

Gene: RUBCN (rubicon autophagy regulator; minus strand). Cytogenetic location: 3q29.
Variant type: single nucleotide variant.
Coding change: c.1981-1G>C on transcript NM_014687.4 (MANE Select); the canonical splice acceptor site of the intron before coding-DNA position 1981, G replaced by C.
Molecular consequence: splice acceptor variant.
Genome position (GRCh38, 1-based): chr3:197,682,616, C>G on the plus strand (G>C on the coding strand, the complement: RUBCN is on the minus strand). VCF-style: chr3-197682616-C-G. GRCh37 (hg19) VCF-style: chr3-197409487-C-G.
Other names: c.1846-1G>C (NM_001145642.5); c.2098-1G>C (NM_001346873.2).
Identifiers: ClinVar variation 3385245 (VCV003385245.1).
Genomic context (GRCh38, chr3:197,682,616, plus strand): 5'-GATGTCAGCGTGCTGCCCGTCATCCGGTGAGATGGGCAGTGAGTCAGGAATGGGCAGGAG[C>G]TGCAGGAGGAAAGCACAGTTGGGGTAAGCTCGTGTCAGTGTGCTGCCCGTCATCTGGTGA-3'